The following is an entry in ClinVar:

NM_000256.3(MYBPC3):c.1078A>G (p.Lys360Glu)

Gene: MYBPC3 (myosin binding protein C3; minus strand). Cytogenetic location: 11p11.2.
Variant type: single nucleotide variant.
Coding change: c.1078A>G on transcript NM_000256.3 (MANE Select); coding-DNA position 1078, A replaced by G.
Protein change: p.Lys360Glu; replaces lysine 360 with glutamic acid.
Molecular consequence: missense variant.
Genome position (GRCh38, 1-based): chr11:47,346,219, T>C on the plus strand (A>G on the coding strand, the complement: MYBPC3 is on the minus strand). VCF-style: chr11-47346219-T-C. GRCh37 (hg19) VCF-style: chr11-47367770-T-C.
Other names: short protein forms K360E.
Identifiers: ClinVar variation 3074317 (VCV003074317.1), dbSNP rs1196163410, ClinGen allele CA380330974.

ClinVar aggregate classification (germline): Uncertain significance (1 of 4 stars; one submission).

Conditions:
Hypertrophic cardiomyopathy. Also called: HYPERTROPHIC MYOCARDIOPATHY. Identifiers: Orphanet 217569, MedGen C0007194, MeSH D002312, MONDO:0005045, HP:0001639.

Submission:

All of Us Research Program, National Institutes of Health
Classification: Uncertain significance for Hypertrophic cardiomyopathy. Last evaluated: 2023-11-02. Review status: criteria provided, single submitter. Criteria: ACMG Guidelines, 2015. Collection method: clinical testing. Allele origin: germline. Inheritance: Autosomal dominant inheritance. Observed: 1 variant allele, 1 heterozygote.
Comment: This missense variant replaces lysine with glutamic acid at codon 360 of the MYBPC3 protein. Computational prediction suggests that this variant may not impact protein structure and function (internally defined REVEL score threshold <= 0.5, PMID: 27666373). To our knowledge, functional studies have not been reported for this variant. This variant has not been reported in individuals affected with MYBPC3-related disorders in the literature. This variant has not been identified in the general population by the Genome Aggregation Database (gnomAD). The available evidence is insufficient to determine the role of this variant in disease conclusively. Therefore, this variant is classified as a Variant of Uncertain Significance.

This study involves interpretation of variants in research participants for the purpose of population health screening. Participant phenotype was not available at the time of variant classification. Additional details can be found in publication PMID: 35346344, PMCID: PMC8962531